The following is an entry in ClinVar:

NM_001378687.1(ATP2C1):c.900-2A>T

Gene: ATP2C1 (ATPase secretory pathway Ca2+ transporting 1; plus strand). Cytogenetic location: 3q22.1.
Variant type: single nucleotide variant.
Coding change: c.900-2A>T on transcript NM_001378687.1 (MANE Select); the canonical splice acceptor site of the intron before coding-DNA position 900, A replaced by T.
Molecular consequence: splice acceptor variant.
Genome position (GRCh38, 1-based): chr3:130,963,969, A>T. VCF-style: chr3-130963969-A-T. GRCh37 (hg19) VCF-style: chr3-130682813-A-T.
Other names: c.900-2A>T (NM_001001487.2, NM_001001485.3, NM_001378512.1 and 5 more transcripts); c.852-2A>T (NM_001378514.1, NM_001199183.2, NM_001199184.3); c.1002-2A>T (NM_001378511.1, NM_001199180.2, NM_001199181.3); c.885-2A>T (NM_001199182.2).
Identifiers: ClinVar variation 2748804 (VCV002748804.5), dbSNP rs2531028773, ClinGen allele CA354537703.

ClinVar aggregate classification (germline): Likely pathogenic. Review status: criteria provided, multiple submitters, no conflicts (2 of 4 stars). 2 submissions from 2 submitters: Likely pathogenic (2). Last evaluated 2023-07-31.

Conditions:
Familial benign pemphigus (HHD). Identifiers: Orphanet 2841, MedGen C0085106, MONDO:0008218, OMIM 169600.

Submissions (2):

Labcorp Genetics (formerly Invitae), Labcorp
Classification: Likely pathogenic. Last evaluated: 2023-07-31. Review status: criteria provided, single submitter. Criteria: Invitae Variant Classification Sherloc (09022015). Collection method: clinical testing. Allele origin: germline.
Comment: In summary, the currently available evidence indicates that the variant is pathogenic, but additional data are needed to prove that conclusively. Therefore, this variant has been classified as Likely Pathogenic. Algorithms developed to predict the effect of sequence changes on RNA splicing suggest that this variant may disrupt the consensus splice site. This variant has not been reported in the literature in individuals affected with ATP2C1-related conditions. This variant is not present in population databases (gnomAD no frequency). This sequence change affects an acceptor splice site in intron 11 of the ATP2C1 gene. It is expected to disrupt RNA splicing. Variants that disrupt the donor or acceptor splice site typically lead to a loss of protein function (PMID: 16199547), and loss-of-function variants in ATP2C1 are known to be pathogenic (PMID: 10615129, 10767338, 11841554).

Juno Genomics, Hangzhou Juno Genomics, Inc
Classification: Likely pathogenic for Familial benign pemphigus. Review status: criteria provided, single submitter. Criteria: ACMG Guidelines, 2015. Collection method: clinical testing. Allele origin: germline.
Comment: Absent from controls (or at extremely low frequency if recessive) in Genome Aggregation Database.;Null variant in a gene where loss of function (LOF) is a known mechanism of disease.

Literature cited by the submitters: PubMed 16199547 (cited by Labcorp Genetics (formerly Invitae), Labcorp); PubMed 10615129 (cited by Labcorp Genetics (formerly Invitae), Labcorp); PubMed 10767338 (cited by Labcorp Genetics (formerly Invitae), Labcorp); PubMed 11841554 (cited by Labcorp Genetics (formerly Invitae), Labcorp).